The following is an entry in ClinVar:

ClinVar aggregate classification (germline): Uncertain significance. Review status: criteria provided, multiple submitters, no conflicts (2 of 4 stars). 3 submissions from 3 submitters: Uncertain significance (3). Last evaluated 2024-08-14.

Conditions:
Left ventricular noncompaction 8 (LVNC8). Identifiers: Orphanet 154, Orphanet 54260, MedGen C3809288, MONDO:0014152, OMIM 615373.
Inborn genetic diseases. Identifiers: MedGen C0950123, MeSH D030342.

Allele frequency attached by ClinVar (database versions not stated): ExAC 0.00001; gnomAD 0.00001; gnomAD exomes 0.00001.
gnomAD v4.1: 13 of 1,612,850 alleles (0.00081%); highest among the groups gnomAD compares: African/African-American, 0.0013%; no homozygotes.

Submissions (3):

GeneDx
Classification: Uncertain significance. Last evaluated: 2024-08-14. Review status: criteria provided, single submitter. Criteria: GeneDx Variant Classification Process June 2021. Collection method: clinical testing. Allele origin: germline. Affected: yes.
Comment: Has not been previously published as pathogenic or benign to our knowledge; Not observed at significant frequency in large population cohorts (gnomAD); In silico analysis indicates that this missense variant does not alter protein structure/function

Ambry Genetics
Classification: Uncertain significance for Inborn genetic diseases. Last evaluated: 2024-03-01. Review status: criteria provided, single submitter. Criteria: Ambry Variant Classification Scheme 2023. Collection method: clinical testing. Allele origin: germline.

Labcorp Genetics (formerly Invitae), Labcorp
Classification: Uncertain significance for Left ventricular noncompaction 8. Last evaluated: 2022-06-23. Review status: criteria provided, single submitter. Criteria: Invitae Variant Classification Sherloc (09022015). Collection method: clinical testing. Allele origin: germline.
Comment: This sequence change replaces serine, which is neutral and polar, with proline, which is neutral and non-polar, at codon 921 of the PRDM16 protein (p.Ser921Pro). This variant is present in population databases (rs773332334, gnomAD 0.0009%). This variant has not been reported in the literature in individuals affected with PRDM16-related conditions. Algorithms developed to predict the effect of missense changes on protein structure and function are either unavailable or do not agree on the potential impact of this missense change (SIFT: "Deleterious"; PolyPhen-2: "Benign"; Align-GVGD: "Class C0"). In summary, the available evidence is currently insufficient to determine the role of this variant in disease. Therefore, it has been classified as a Variant of Uncertain Significance.

NM_022114.4(PRDM16):c.2761T>C (p.Ser921Pro)

Gene: PRDM16 (PR/SET domain 16; plus strand). Cytogenetic location: 1p36.32.
Variant type: single nucleotide variant.
Coding change: c.2761T>C on transcript NM_022114.4 (MANE Select); coding-DNA position 2761, T replaced by C.
Protein change: p.Ser921Pro; replaces serine 921 with proline.
Molecular consequence: missense variant.
Genome position (GRCh38, 1-based): chr1:3,417,897, T>C. VCF-style: chr1-3417897-T-C. GRCh37 (hg19) VCF-style: chr1-3334461-T-C.
Other names: c.2761T>C (NM_022114.3); c.2761T>C, p.Ser921Pro (NM_199454.3); short protein forms S921P.
Identifiers: ClinVar variation 2196183 (VCV002196183.5), dbSNP rs773332334, ClinGen allele CA544595.